The following is an entry in ClinVar:

ClinVar aggregate classification (germline): Pathogenic (1 of 4 stars; one submission).

Submission:

CeGaT Center for Human Genetics Tuebingen
Classification: Pathogenic. Last evaluated: 2025-01-01. Review status: criteria provided, single submitter. Criteria: CeGaT Center For Human Genetics Tuebingen Variant Classification Criteria Version 2. Collection method: clinical testing. Allele origin: germline. Affected: yes. Observed: 1 variant allele.
Comment: PCDH19: PVS1, PM2

NM_001184880.2(PCDH19):c.1636_1639dup (p.Ala547fs)

Gene: PCDH19 (protocadherin 19; minus strand). Cytogenetic location: Xq22.1.
Variant type: Duplication.
Coding change: c.1636_1639dup on transcript NM_001184880.2 (MANE Select); coding-DNA positions 1636 to 1639, 4 bases duplicated (AACG; older notation c.1636_1639dupAACG).
Protein change: p.Ala547fs; shifts the reading frame from alanine 547.
Molecular consequence: frameshift variant.
Genome position (GRCh38, 1-based): chrX:100,406,959-100,406,962, CGTT duplicated on the plus strand (AACG on the coding strand, the reverse complement: PCDH19 is on the minus strand). VCF-style (leftmost placement, unchanged base first): chrX-100406958-G-GCGTT. GRCh37 (hg19) VCF-style: chrX-99661956-G-GCGTT.
Other names: c.1636_1639dup, p.Ala547fs (NM_001105243.2, NM_020766.3); short protein forms A547fs.
Identifiers: ClinVar variation 3772189 (VCV003772189.13).